The following is an entry in ClinVar:

NM_194248.3(OTOF):c.691A>G (p.Thr231Ala)

Gene: OTOF (otoferlin; minus strand). Cytogenetic location: 2p23.3.
Variant type: single nucleotide variant.
Coding change: c.691A>G on transcript NM_194248.3 (MANE Select); coding-DNA position 691, A replaced by G.
Protein change: p.Thr231Ala; replaces threonine 231 with alanine.
Molecular consequence: missense variant.
Genome position (GRCh38, 1-based): chr2:26,502,319, T>C on the plus strand (A>G on the coding strand, the complement: OTOF is on the minus strand). VCF-style: chr2-26502319-T-C. GRCh37 (hg19) VCF-style: chr2-26725187-T-C.
Other names: c.691A>G, p.Thr231Ala (NM_001287489.2); c.691A>G (NM_194248.2); short protein forms T231A.
Identifiers: ClinVar variation 2990465 (VCV002990465.5), dbSNP rs556493936, ClinGen allele CA1564557.

ClinVar aggregate classification (germline): Conflicting classifications of pathogenicity. Review status: criteria provided, conflicting classifications (1 of 4 stars). 3 submissions from 3 submitters: Uncertain significance (2); Likely benign (1). Last evaluated 2025-01-27.

Conditions:
Inborn genetic diseases. Identifiers: MedGen C0950123, MeSH D030342.

Allele frequency attached by ClinVar (database versions not stated): gnomAD 0.00001; gnomAD exomes 0.00003; ExAC 0.00006; 1000 Genomes Project 30x 0.00016; TOPMed 0.00002; 1000 Genomes Project 0.00020.
gnomAD v4.1: 51 of 1,613,984 alleles (0.0032%); highest among the groups gnomAD compares: South Asian, 0.051%; 1 homozygote.

Submissions (3):

Labcorp Genetics (formerly Invitae), Labcorp
Classification: Likely benign. Last evaluated: 2025-01-27. Review status: criteria provided, single submitter. Criteria: Invitae Variant Classification Sherloc (09022015). Collection method: clinical testing. Allele origin: germline.

GeneDx
Classification: Uncertain significance. Last evaluated: 2024-10-28. Review status: criteria provided, single submitter. Criteria: GeneDx Variant Classification Process June 2021. Collection method: clinical testing. Allele origin: germline. Affected: yes.
Comment: In silico analysis indicates that this missense variant does not alter protein structure/function; Has not been previously published as pathogenic or benign to our knowledge

Ambry Genetics
Classification: Uncertain significance for Inborn genetic diseases. Last evaluated: 2023-10-17. Review status: criteria provided, single submitter. Criteria: Ambry Variant Classification Scheme 2023. Collection method: clinical testing. Allele origin: germline.